The following is an entry in ClinVar:

NM_006015.6(ARID1A):c.1787G>A (p.Arg596His)

Gene: ARID1A (AT-rich interaction domain 1A; plus strand). Cytogenetic location: 1p36.11.
Variant type: single nucleotide variant.
Coding change: c.1787G>A on transcript NM_006015.6 (MANE Select); coding-DNA position 1787, G replaced by A.
Protein change: p.Arg596His; replaces arginine 596 with histidine.
Molecular consequence: missense variant.
Genome position (GRCh38, 1-based): chr1:26,731,588, G>A. VCF-style: chr1-26731588-G-A. GRCh37 (hg19) VCF-style: chr1-27058079-G-A.
Other names: c.1787G>A (LRG_875t1); c.1787G>A, p.Arg596His (NM_139135.4); short protein forms R596H.
Identifiers: ClinVar variation 389879 (VCV000389879.5), dbSNP rs1057523568, ClinGen allele CA16603693.

ClinVar aggregate classification (germline): Uncertain significance. Review status: criteria provided, multiple submitters, no conflicts (2 of 4 stars). 2 submissions from 2 submitters: Uncertain significance (2). Last evaluated 2025-12-18.

Conditions:
Intellectual disability, autosomal dominant 14 (CSS2). Also called: COFFIN-SIRIS SYNDROME 2. Identifiers: Orphanet 1465, MedGen C3553247, MONDO:0013819, OMIM 614607.

Allele frequency attached by ClinVar (database versions not stated): gnomAD exomes below 0.00001.

Submissions (2):

Victorian Clinical Genetics Services, Murdoch Childrens Research Institute
Classification: Uncertain significance for Intellectual disability, autosomal dominant 14. Last evaluated: 2025-12-18. Review status: criteria provided, single submitter. Criteria: ACMG Guidelines, 2015. Collection method: clinical testing. Allele origin: germline. Affected: yes.
Comment: This variant is classified as VUS-3A. Evidence in support of pathogenic classification: Variant is present in gnomAD <0.001 for a dominant condition (v4: 5 heterozygote(s), 0 homozygote(s)); However, at least one of these variants is incorrectly annotated and from the available data is apart of a larger multi-nucleotide variant; Additional information: Variant is predicted to result in a missense amino acid change from Arg to His; This variant is heterozygous; This gene is associated with autosomal dominant disease; Alternative amino acid change(s) at the same position are present in gnomAD (highest allele count: v4: 12 heterozygote(s), 0 homozygote(s)). - Previous evidence of pathogenicity for this variant is inconclusive. This variant has been classified as a VUS by a clinical laboratory in ClinVar; No published evidence of segregation with disease has been identified for this variant; No published functional evidence has been identified for this variant; No comparable missense variants have previous evidence for pathogenicity; Variant is not located in an established domain, motif, hotspot or informative constraint region; Missense variant with inconclusive in silico prediction and/or uninformative conservation; Loss of function is a known mechanism of disease in this gene and is associated with Coffin-Siris syndrome 2 (MIM#614607).

GeneDx
Classification: Uncertain significance. Last evaluated: 2022-02-14. Review status: criteria provided, single submitter. Criteria: GeneDx Variant Classification Process June 2021. Collection method: clinical testing. Allele origin: germline. Affected: yes.
Comment: In silico analysis supports that this missense variant does not alter protein structure/function; Has not been previously published as pathogenic or benign to our knowledge